The following is an entry in ClinVar:

ClinVar aggregate classification (germline): Benign (1 of 4 stars; one submission).

Allele frequency attached by ClinVar (database versions not stated): gnomAD 0.01839 and 0.01970; 1000 Genomes Project 30x 0.02092; TOPMed 0.02096; 1000 Genomes Project 0.02097.
gnomAD v4.1: 3,475 of 469,580 alleles (0.74%); highest among the groups gnomAD compares: African/African-American, 6.1%; 105 homozygotes.

Submission:

GeneDx
Classification: Benign. Last evaluated: 2018-06-16. Review status: criteria provided, single submitter. Criteria: GeneDx Variant Classification (06012015). Collection method: clinical testing. Allele origin: germline. Affected: yes.
Comment: This variant is considered likely benign or benign based on one or more of the following criteria: it is a conservative change, it occurs at a poorly conserved position in the protein, it is predicted to be benign by multiple in silico algorithms, and/or has population frequency not consistent with disease.

NM_153704.6(TMEM67):c.312+194T>G

Gene: TMEM67 (transmembrane protein 67; plus strand). Cytogenetic location: 8q22.1.
Variant type: single nucleotide variant.
Coding change: c.312+194T>G on transcript NM_153704.6 (MANE Select); 194 bases into the intron after coding-DNA position 312, T replaced by G.
Molecular consequence: intron variant.
Genome position (GRCh38, 1-based): chr8:93,756,060, T>G. VCF-style: chr8-93756060-T-G. GRCh37 (hg19) VCF-style: chr8-94768288-T-G.
Other names: c.-62+923T>G (NM_001142301.1).
Identifiers: ClinVar variation 678959 (VCV000678959.1), dbSNP rs73694915, ClinGen allele CA181305343.